The following is an entry in ClinVar:

NM_001164508.2(NEB):c.21550G>T (p.Ala7184Ser)

Genes: NEB (nebulin; minus strand), RIF1 (replication timing regulatory factor 1; plus strand). Cytogenetic location: 2q23.3.
Variant type: single nucleotide variant.
Coding change: c.21550G>T on transcript NM_001164508.2 (MANE Select); coding-DNA position 21550, G replaced by T.
Protein change: p.Ala7184Ser; replaces alanine 7184 with serine.
Molecular consequence: missense variant.
Genome position (GRCh38, 1-based): chr2:151,531,074, C>A on the plus strand (G>T on the coding strand, the complement: NEB is on the minus strand). VCF-style: chr2-151531074-C-A. GRCh37 (hg19) VCF-style: chr2-152387588-C-A.
Other names: p.Ala7219Ser; c.21550G>T, p.Ala7184Ser (NM_001164507.2); c.21655G>T, p.Ala7219Ser (NM_001271208.2); c.16447G>T, p.Ala5483Ser (NM_004543.5); short protein forms A7219S, A7184S, A5483S.
Identifiers: ClinVar variation 4540682 (VCV004540682.1).

ClinVar aggregate classification (germline): Uncertain significance (1 of 4 stars; one submission).

Submission:

Mayo Clinic Laboratories, Mayo Clinic
Classification: Uncertain significance. Last evaluated: 2025-03-03. Review status: criteria provided, single submitter. Criteria: ACMG Guidelines, 2015. Collection method: clinical testing. Allele origin: germline. Observed: 1 variant allele.
Comment: BP4, PM2_supporting